The following is an entry in ClinVar:

ClinVar aggregate classification (germline): Likely benign. Review status: criteria provided, multiple submitters, no conflicts (2 of 4 stars). 3 submissions from 3 submitters: Likely benign (3). Last evaluated 2024-03-11.

Conditions:
Familial thoracic aortic aneurysm and aortic dissection (TAAD). Also called: Thoracic aortic aneurysms and dissections. Identifiers: Orphanet 91387, MedGen C4707243, MONDO:0019625.
Shprintzen-Goldberg syndrome (SGS). Also called: CRANIOSYNOSTOSIS WITH ARACHNODACTYLY AND ABDOMINAL HERNIAS; SHPRINTZEN-GOLDBERG CRANIOSYNOSTOSIS SYNDROME; Marfanoid disorder with craniosynostosis type 1; Marfanoid craniosynostosis syndrome; Shprintzen-Goldberg marfanoid syndrome. Identifiers: Orphanet 2462, MedGen C1321551, MONDO:0008426, OMIM 182212.

Allele frequency attached by ClinVar (database versions not stated): TOPMed below 0.00001; gnomAD exomes 0.00001; ExAC 0.00003.
gnomAD v4.1: 13 of 1,595,410 alleles (0.00081%); highest among the groups gnomAD compares: South Asian, 0.011%; no homozygotes.

Submissions (3):

Labcorp Genetics (formerly Invitae), Labcorp
Classification: Likely benign for Shprintzen-Goldberg syndrome. Last evaluated: 2024-03-11. Review status: criteria provided, single submitter. Criteria: Invitae Variant Classification Sherloc (09022015). Collection method: clinical testing. Allele origin: germline.

CeGaT Center for Human Genetics Tuebingen
Classification: Likely benign. Last evaluated: 2023-02-01. Review status: criteria provided, single submitter. Criteria: CeGaT Center For Human Genetics Tuebingen Variant Classification Criteria Version 2. Collection method: clinical testing. Allele origin: germline. Affected: yes. Observed: 1 variant allele.
Comment: SKI: BP4, BP7

Ambry Genetics
Classification: Likely benign for Familial thoracic aortic aneurysm and aortic dissection. Last evaluated: 2020-03-16. Review status: criteria provided, single submitter. Criteria: Ambry Variant Classification Scheme 2023. Collection method: clinical testing. Allele origin: germline.

NM_003036.4(SKI):c.573C>T (p.Tyr191=)

Gene: SKI (SKI proto-oncogene; plus strand). Cytogenetic location: 1p36.33.
Variant type: single nucleotide variant.
Coding change: c.573C>T on transcript NM_003036.4 (MANE Select); coding-DNA position 573, C replaced by T.
Protein change: p.Tyr191=; no amino-acid change (tyrosine 191 retained).
Molecular consequence: synonymous variant.
Genome position (GRCh38, 1-based): chr1:2,229,339, C>T. VCF-style: chr1-2229339-C-T. GRCh37 (hg19) VCF-style: chr1-2160778-C-T.
Identifiers: ClinVar variation 723548 (VCV000723548.31), dbSNP rs777704639, ClinGen allele CA536414.